The following is an entry in ClinVar:

NM_006306.4(SMC1A):c.1396G>T (p.Ala466Ser)

Gene: SMC1A (structural maintenance of chromosomes 1A; minus strand). Cytogenetic location: Xp11.22.
Variant type: single nucleotide variant.
Coding change: c.1396G>T on transcript NM_006306.4 (MANE Select); coding-DNA position 1396, G replaced by T.
Protein change: p.Ala466Ser; replaces alanine 466 with serine.
Molecular consequence: missense variant.
Genome position (GRCh38, 1-based): chrX:53,409,211, C>A on the plus strand (G>T on the coding strand, the complement: SMC1A is on the minus strand). VCF-style: chrX-53409211-C-A. GRCh37 (hg19) VCF-style: chrX-53436142-C-A.
Other names: c.1330G>T, p.Ala444Ser (NM_001281463.1); short protein forms A444S, A466S.
Identifiers: ClinVar variation 1714628 (VCV001714628.5), dbSNP rs2520943156, ClinGen allele CA413255674.

ClinVar aggregate classification (germline): Uncertain significance (1 of 4 stars; one submission).

Conditions:
Congenital muscular hypertrophy-cerebral syndrome (CDLS2). Also called: Cornelia de Lange syndrome 2; SMC1A-Related Cornelia de Lange Syndrome. Identifiers: Orphanet 199, MedGen C1802395, MONDO:0010370, OMIM 300590.

Submission:

Labcorp Genetics (formerly Invitae), Labcorp
Classification: Uncertain significance for Congenital muscular hypertrophy-cerebral syndrome. Last evaluated: 2022-07-31. Review status: criteria provided, single submitter. Criteria: Invitae Variant Classification Sherloc (09022015). Collection method: clinical testing. Allele origin: germline.
Comment: This variant has not been reported in the literature in individuals affected with SMC1A-related conditions. Advanced modeling of protein sequence and biophysical properties (such as structural, functional, and spatial information, amino acid conservation, physicochemical variation, residue mobility, and thermodynamic stability) performed at Invitae indicates that this missense variant is not expected to disrupt SMC1A protein function. In summary, the available evidence is currently insufficient to determine the role of this variant in disease. Therefore, it has been classified as a Variant of Uncertain Significance. This variant is not present in population databases (gnomAD no frequency). This sequence change replaces alanine, which is neutral and non-polar, with serine, which is neutral and polar, at codon 466 of the SMC1A protein (p.Ala466Ser).